The following is an entry in ClinVar:

ClinVar aggregate classification (germline): Uncertain significance (1 of 4 stars; one submission).

Conditions:
Muscular dystrophy-dystroglycanopathy (congenital with brain and eye anomalies), type A9. Also called: Muscular dystrophy-dystroglycanopathy (congenital with brain and eye anomalies), type a, 9; WALKER-WARBURG SYNDROME OR MUSCLE-EYE BRAIN DISEASE, DAG1-RELATED. Identifiers: Orphanet 370997, Orphanet 899, MedGen C4225291, MONDO:0014683, OMIM 616538.
Autosomal recessive limb-girdle muscular dystrophy type 2P. Also called: Limb-Girdle Muscular Dystrophy Type 9C; MUSCULAR DYSTROPHY, LIMB-GIRDLE, TYPE 2P; MUSCULAR DYSTROPHY-DYSTROGLYCANOPATHY, LIMB-GIRDLE, DAG1-RELATED. Identifiers: Orphanet 280333, MedGen C4511963, MONDO:0013440, OMIM 613818.

Submission:

Labcorp Genetics (formerly Invitae), Labcorp
Classification: Uncertain significance for Autosomal recessive limb-girdle muscular dystrophy type 2P; Muscular dystrophy-dystroglycanopathy (congenital with brain and eye anomalies), type A9. Last evaluated: 2024-10-22. Review status: criteria provided, single submitter. Criteria: Invitae Variant Classification Sherloc (09022015). Collection method: clinical testing. Allele origin: germline.
Comment: This variant, c.1332_1334del, results in the deletion of 1 amino acid(s) of the DAG1 protein (p.Thr446del), but otherwise preserves the integrity of the reading frame. This variant is present in population databases (rs778752288, gnomAD 0.004%). This variant has not been reported in the literature in individuals affected with DAG1-related conditions. Experimental studies and prediction algorithms are not available or were not evaluated, and the functional significance of this variant is currently unknown. In summary, the available evidence is currently insufficient to determine the role of this variant in disease. Therefore, it has been classified as a Variant of Uncertain Significance.

NM_004393.6(DAG1):c.1323CAC[3] (p.Thr446del)

Gene: DAG1 (dystroglycan 1; plus strand). Cytogenetic location: 3p21.31.
Variant type: Microsatellite.
Coding change: c.1323CAC[3] on transcript NM_004393.6 (MANE Select); three copies in a row of the 3-base unit CAC starting at c.1323; the reference has four copies in a row; one copy, 3 bases deleted; also written c.1332_1334del.
Protein change: p.Thr446del; deletes threonine 446.
Molecular consequence: inframe deletion.
Genome position (GRCh38, 1-based): chr3:49,531,843-49,531,845, CAC deleted; deleting any 3 consecutive bases within chr3:49,531,833-49,531,845 gives the same sequence; the position shown is the placement nearest the transcript's 3' end. VCF-style (leftmost placement, unchanged base first): chr3-49531832-TCCA-T. GRCh37 (hg19) VCF-style: chr3-49569265-TCCA-T.
Other names: c.1323CAC[3], p.Thr446del (NM_001165928.4, NM_001177634.3, NM_001177635.3 and 9 more transcripts); c.1332_1334del (NM_004393.5); short protein forms T446del.
Identifiers: ClinVar variation 1356890 (VCV001356890.6), dbSNP rs778752288, ClinGen allele CA2399056.